The following is an entry in ClinVar:

NM_000262.3(NAGA):c.*1930G>A

Genes: NAGA (alpha-N-acetylgalactosaminidase; minus strand), WBP2NL (WBP2 N-terminal like; plus strand). Cytogenetic location: 22q13.2.
Variant type: single nucleotide variant.
Coding change: c.*1930G>A on transcript NM_000262.3 (MANE Select); 1930 bases downstream of the stop codon, G replaced by A.
Molecular consequence: 3 prime UTR variant.
Genome position (GRCh38, 1-based): chr22:42,058,349, C>T on the plus strand (G>A on the coding strand, the complement: NAGA is on the minus strand). VCF-style: chr22-42058349-C-T. GRCh37 (hg19) VCF-style: chr22-42454353-C-T.
Other names: c.*1930G>A (NM_001362848.1, NM_001362850.1).
Identifiers: ClinVar variation 901974 (VCV000901974.5), dbSNP rs144373253, ClinGen allele CA324648612.

ClinVar aggregate classification (germline): Likely benign. Review status: criteria provided, multiple submitters, no conflicts (2 of 4 stars). 3 submissions from 2 submitters: Likely benign (3). Last evaluated 2018-01-12.

Conditions:
Alpha-N-acetylgalactosaminidase deficiency type 2. Also called: ALPHA-N-ACETYLGALACTOSAMINIDASE DEFICIENCY, TYPE II; NAGA DEFICIENCY, TYPE II; SCHINDLER DISEASE, TYPE II. Identifiers: Orphanet 3137, Orphanet 79280, MedGen C1836522, MONDO:0012222, OMIM 609242.
Alpha-N-acetylgalactosaminidase deficiency type 1. Also called: SCHINDLER DISEASE, TYPE I; ALPHA-N-ACETYLGALACTOSAMINIDASE DEFICIENCY, TYPE I; NAGA DEFICIENCY, TYPE I; NEUROAXONAL DYSTROPHY, SCHINDLER TYPE. Identifiers: Orphanet 3137, Orphanet 79279, Orphanet 79281, MedGen C1836544, MONDO:0012221, OMIM 609241.

Allele frequency attached by ClinVar (database versions not stated): 1000 Genomes Project 0.00479; 1000 Genomes Project 30x 0.00500; gnomAD 0.01573 and 0.01599; TOPMed 0.01640.

Submissions (3):

Illumina Laboratory Services, Illumina
Classification: Likely benign for Alpha-N-acetylgalactosaminidase deficiency type 1. Last evaluated: 2018-01-12. Review status: criteria provided, single submitter. Criteria: ICSL Variant Classification Criteria 13 December 2019. Collection method: clinical testing. Allele origin: germline.
Comment: This variant was observed in the ICSL laboratory as part of a predisposition screen in an ostensibly healthy population. It had not been previously curated by ICSL or reported in the Human Gene Mutation Database (HGMD: prior to June 1st, 2018), and was therefore a candidate for classification through an automated scoring system. Utilizing variant allele frequency, disease prevalence and penetrance estimates, and inheritance mode, an automated score was calculated to assess if this variant is too frequent to cause the disease. Based on the score and internal cut-off values, a variant classified as likely benign is not then subjected to further curation. The score for this variant resulted in a classification of likely benign for this disease.

Illumina Laboratory Services, Illumina
Classification: Likely benign for Alpha-N-acetylgalactosaminidase deficiency type 2. Last evaluated: 2018-01-12. Review status: criteria provided, single submitter. Criteria: ICSL Variant Classification Criteria 13 December 2019. Collection method: clinical testing. Allele origin: germline.
Comment: the same text as in the submission from Illumina Laboratory Services, Illumina above.

Breakthrough Genomics
Classification: Likely benign. Review status: criteria provided, single submitter. Criteria: ACMG Guidelines, 2015. Collection method: not provided. Allele origin: germline. Inheritance: Autosomal recessive inheritance. Affected: yes.